The following is an entry in ClinVar:

ClinVar aggregate classification (germline): Benign/Likely benign. Review status: criteria provided, multiple submitters, no conflicts (2 of 4 stars). 2 submissions from 2 submitters: Benign (1); Likely benign (1). Last evaluated 2025-07-22.

Conditions:
REST-related disorder. Also called: REST-related condition.

Allele frequency attached by ClinVar (database versions not stated): gnomAD exomes 0.00003 and 0.00011; ExAC 0.00012; 1000 Genomes Project 30x 0.00016; 1000 Genomes Project 0.00020; TOPMed 0.00026; gnomAD 0.00028 and 0.00031; ESP Exome Variant Server 0.00054.
gnomAD v4.1: 79 of 1,614,210 alleles (0.0049%); highest among the groups gnomAD compares: African/African-American, 0.1%; no homozygotes.

Submissions (2):

Labcorp Genetics (formerly Invitae), Labcorp
Classification: Benign. Last evaluated: 2025-07-22. Review status: criteria provided, single submitter. Criteria: Invitae Variant Classification Sherloc (09022015). Collection method: clinical testing. Allele origin: germline.

PreventionGenetics, part of Exact Sciences
Classification: Likely benign for REST-related condition. Last evaluated: 2025-02-27. Review status: criteria provided, single submitter. Criteria: ACMG Guidelines, 2015. Collection method: clinical testing. Allele origin: germline.
Comment: This variant is classified as likely benign based on ACMG/AMP sequence variant interpretation guidelines (Richards et al. 2015 PMID: 25741868, with internal and published modifications).

NM_005612.5(REST):c.3171G>A (p.Lys1057=)

Gene: REST (RE1 silencing transcription factor; plus strand). Cytogenetic location: 4q12.
Variant type: single nucleotide variant.
Coding change: c.3171G>A on transcript NM_005612.5 (MANE Select); coding-DNA position 3171, G replaced by A.
Protein change: p.Lys1057=; no amino-acid change (lysine 1057 retained).
Molecular consequence: synonymous variant.
Genome position (GRCh38, 1-based): chr4:56,932,029, G>A. VCF-style: chr4-56932029-G-A. GRCh37 (hg19) VCF-style: chr4-57798195-G-A.
Other names: c.3171G>A (NM_005612.4); c.3171G>A, p.Lys1057= (NM_001193508.2, NM_001363453.3).
Identifiers: ClinVar variation 1166584 (VCV001166584.10), dbSNP rs145124620, ClinGen allele CA2932632.